The following is an entry in ClinVar:

NM_002291.3(LAMB1):c.2458C>T (p.Pro820Ser)

Gene: LAMB1 (laminin subunit beta 1; minus strand). Cytogenetic location: 7q31.1.
Variant type: single nucleotide variant.
Coding change: c.2458C>T on transcript NM_002291.3 (MANE Select); coding-DNA position 2458, C replaced by T.
Protein change: p.Pro820Ser; replaces proline 820 with serine.
Molecular consequence: missense variant.
Genome position (GRCh38, 1-based): chr7:107,959,691, G>A on the plus strand (C>T on the coding strand, the complement: LAMB1 is on the minus strand). VCF-style: chr7-107959691-G-A. GRCh37 (hg19) VCF-style: chr7-107600136-G-A.
Other names: short protein forms P820S.
Identifiers: ClinVar variation 76592 (VCV000076592.48), dbSNP rs140619520, ClinGen allele CA4435646.

ClinVar aggregate classification (germline): Uncertain significance. Review status: criteria provided, multiple submitters, no conflicts (2 of 4 stars). 3 submissions from 3 submitters: Uncertain significance (3). Last evaluated 2025-08-21.

Allele frequency attached by ClinVar (database versions not stated): ESP Exome Variant Server 0.00015; gnomAD 0.00016 and 0.00017; TOPMed 0.00019; ExAC 0.00021; gnomAD exomes 0.00023.

Submissions (3):

Labcorp Genetics (formerly Invitae), Labcorp
Classification: Uncertain significance. Last evaluated: 2025-08-21. Review status: criteria provided, single submitter. Criteria: Invitae Variant Classification Sherloc (09022015). Collection method: clinical testing. Allele origin: germline.
Comment: This sequence change replaces proline, which is neutral and non-polar, with serine, which is neutral and polar, at codon 820 of the LAMB1 protein (p.Pro820Ser). This variant is present in population databases (rs140619520, gnomAD 0.1%). This variant has not been reported in the literature in individuals affected with LAMB1-related conditions. ClinVar contains an entry for this variant (Variation ID: 76592). An algorithm developed to predict the effect of missense changes on protein structure and function outputs the following: PolyPhen-2: "Benign". The serine amino acid residue is found in multiple mammalian species, which suggests that this missense change does not adversely affect protein function. In summary, the available evidence is currently insufficient to determine the role of this variant in disease. Therefore, it has been classified as a Variant of Uncertain Significance.

Women's Health and Genetics/Laboratory Corporation of America, LabCorp
Classification: Uncertain significance. Last evaluated: 2024-03-13. Review status: criteria provided, single submitter. Criteria: LabCorp Variant Classification Summary - May 2015. Collection method: clinical testing. Allele origin: germline.
Comment: Variant summary: LAMB1 c.2458C>T (p.Pro820Ser) results in a non-conservative amino acid change in the encoded protein sequence. Three of five in-silico tools predict a benign effect of the variant on protein function. The variant allele was found at a frequency of 0.00023 in 251302 control chromosomes. To our knowledge, no occurrence of c.2458C>T in individuals affected with Lissencephaly 5 and no experimental evidence demonstrating its impact on protein function have been reported. ClinVar contains an entry for this variant (Variation ID: 76592). Based on the evidence outlined above, the variant was classified as uncertain significance.

CeGaT Center for Human Genetics Tuebingen
Classification: Uncertain significance. Last evaluated: 2019-11-01. Review status: criteria provided, single submitter. Criteria: CeGaT Center For Human Genetics Tuebingen Variant Classification Criteria Version 2. Collection method: clinical testing. Allele origin: germline. Affected: yes. Observed: 1 variant allele.